The following is an entry in ClinVar:

ClinVar aggregate classification (germline): Likely benign. Review status: criteria provided, multiple submitters, no conflicts (2 of 4 stars). 3 submissions from 3 submitters: Likely benign (2). 1 of the submissions does not count toward it. Last evaluated 2025-12-09.

Conditions:
Colorectal cancer, susceptibility to, 12 (CRCS12). Also called: COLORECTAL CANCER, SUSCEPTIBILITY TO, ON CHROMOSOME 12q24. Identifiers: Orphanet 220460, MedGen C3554460, MONDO:0014038, OMIM 615083.

Allele frequency attached by ClinVar (database versions not stated): gnomAD 0.00001; gnomAD exomes 0.00001; ExAC 0.00002; TOPMed 0.00002.
gnomAD v4.1: 9 of 1,564,574 alleles (0.00058%); highest among the groups gnomAD compares: Admixed American, 0.0088%; no homozygotes.

Submissions (3):

Labcorp Genetics (formerly Invitae), Labcorp
Classification: Likely benign. Last evaluated: 2025-12-09. Review status: criteria provided, single submitter. Criteria: Invitae Variant Classification Sherloc (09022015). Collection method: clinical testing. Allele origin: germline.

GeneDx
Classification: Likely benign. Last evaluated: 2017-12-06. Review status: criteria provided, single submitter. Criteria: GeneDx Variant Classification (06012015). Collection method: clinical testing. Allele origin: germline. Affected: yes.
Comment: This variant is considered likely benign or benign based on one or more of the following criteria: it is a conservative change, it occurs at a poorly conserved position in the protein, it is predicted to be benign by multiple in silico algorithms, and/or has population frequency not consistent with disease.

Counsyl
Classification: Likely benign for Colorectal cancer, susceptibility to, 12. Last evaluated: 2018-05-17. Review status: no assertion criteria provided. Collection method: clinical testing. Allele origin: unknown. Not counted in ClinVar's aggregate classification.

NM_006231.4(POLE):c.423+20T>C

Gene: POLE (DNA polymerase epsilon, catalytic subunit; minus strand). Cytogenetic location: 12q24.33.
Variant type: single nucleotide variant.
Coding change: c.423+20T>C on transcript NM_006231.4 (MANE Select); 20 bases into the intron after coding-DNA position 423, T replaced by C.
Molecular consequence: intron variant.
Genome position (GRCh38, 1-based): chr12:132,679,934, A>G on the plus strand (T>C on the coding strand, the complement: POLE is on the minus strand). VCF-style: chr12-132679934-A-G. GRCh37 (hg19) VCF-style: chr12-133256520-A-G.
Identifiers: ClinVar variation 387122 (VCV000387122.9), dbSNP rs201628896, ClinGen allele CA6894332.